The following is an entry in ClinVar:

NM_001139.3(ALOX12B):c.1219G>A (p.Glu407Lys)

Gene: ALOX12B (arachidonate 12-lipoxygenase, 12R type; minus strand). Cytogenetic location: 17p13.1.
Variant type: single nucleotide variant.
Coding change: c.1219G>A on transcript NM_001139.3 (MANE Select); coding-DNA position 1219, G replaced by A.
Protein change: p.Glu407Lys; replaces glutamic acid 407 with lysine.
Molecular consequence: missense variant.
Genome position (GRCh38, 1-based): chr17:8,077,046, C>T on the plus strand (G>A on the coding strand, the complement: ALOX12B is on the minus strand). VCF-style: chr17-8077046-C-T. GRCh37 (hg19) VCF-style: chr17-7980364-C-T.
Other names: short protein forms E407K.
Identifiers: ClinVar variation 995740 (VCV000995740.3), dbSNP rs1977100213, ClinGen allele CA397992001.

ClinVar aggregate classification (germline): Uncertain significance. Review status: criteria provided, single submitter (1 of 4 stars). 2 submissions from 2 submitters: Uncertain significance (1). 1 of the submissions does not count toward it. Last evaluated 2024-11-08.

Conditions:
Autosomal recessive congenital ichthyosis 2 (ARCI2). Identifiers: Orphanet 281122, Orphanet 79394, MedGen C3888093, MONDO:0009439, OMIM 242100.

Submissions (2):

Women's Health and Genetics/Laboratory Corporation of America, LabCorp
Classification: Uncertain significance. Last evaluated: 2024-11-08. Review status: criteria provided, single submitter. Criteria: LabCorp Variant Classification Summary - May 2015. Collection method: clinical testing. Allele origin: germline.
Comment: Variant summary: ALOX12B c.1219G>A (p.Glu407Lys) results in a conservative amino acid change located in the Lipoxygenase iron-binding catalytic domain profile (IPR013819) of the encoded protein sequence. Three of four in-silico tools predict a damaging effect of the variant on protein function. The variant was absent in 250896 control chromosomes. The available data on variant occurrences in the general population are insufficient to allow any conclusion about variant significance. c.1219G>A has been reported in the literature in individuals affected with Congenital Ichthyosis (Hotz_2021). These data do not allow any conclusion about variant significance. To our knowledge, no experimental evidence demonstrating an impact on protein function has been reported. The following publication have been ascertained in the context of this evaluation (PMID: 33435499). ClinVar contains an entry for this variant (Variation ID: 995740). Based on the evidence outlined above, the variant was classified as uncertain significance.

Institute for Human Genetics, University Medical Center Freiburg
Classification: Pathogenic for Autosomal recessive congenital ichthyosis 2. Last evaluated: 2021-01-07. Review status: no assertion criteria provided. Collection method: clinical testing. Allele origin: unknown. Affected: yes. Not counted in ClinVar's aggregate classification.

Literature cited by the submitters: PubMed 33435499 (cited by Women's Health and Genetics/Laboratory Corporation of America, LabCorp).